The following is an entry in ClinVar:

NM_000152.5(GAA):c.2016del (p.Asn673fs)

Gene: GAA (alpha glucosidase; plus strand). Cytogenetic location: 17q25.3.
Variant type: Deletion.
Coding change: c.2016del on transcript NM_000152.5 (MANE Select); coding-DNA position 2016, one base deleted (G; older notation c.2016delG).
Protein change: p.Asn673fs; shifts the reading frame from asparagine 673.
Molecular consequence: frameshift variant.
Genome position (GRCh38, 1-based): chr17:80,113,003, G deleted; the last of 2 consecutive G bases (chr17:80,113,002-80,113,003); deleting either gives the same sequence. VCF-style (leftmost placement, unchanged base first): chr17-80113001-CG-C. GRCh37 (hg19) VCF-style: chr17-78086800-CG-C.
Other names: c.2016del, p.Asn673fs (NM_001079803.3, NM_001079804.3, NM_001406741.1 and 1 more transcripts); short protein forms N673fs.
Identifiers: ClinVar variation 4876624 (VCV004876624.1).
Genomic context (GRCh38, chr17:80,113,001, plus strand): 5'-AACACCTCAGAGGAGCTGTGTGTGCGCTGGACCCAGCTGGGGGCCTTCTACCCCTTCATG[CG>C]GAACCACAACAGCCTGCTCAGTCTGGTAGGGTGGGGGTGGCGGCATGGCAGGTGGGCGAT-3'

ClinVar aggregate classification (germline): Pathogenic (1 of 4 stars; one submission).

Conditions:
Glycogen storage disease, type II (IOPD). Also called: Pompe Disease; CARDIOMEGALIA GLYCOGENICA DIFFUSA; GLYCOGENOSIS, GENERALIZED, CARDIAC FORM; GSD II; POMPE DISEASE, INFANTILE-ONSET; GLYCOGEN STORAGE DISEASE II, INFANTILE-ONSET. Identifiers: Orphanet 365, MedGen C0017921, MONDO:0009290, OMIM 232300.

Submission:

Genomenon, Inc
Classification: Pathogenic for Glycogen storage disease, type II. Last evaluated: 2026-07-01. Review status: criteria provided, single submitter. Criteria: Genomenon Sequence Variant Interpretation Standards - Updated. Collection method: curation. Allele origin: germline. Affected: yes.
Comment: GAA p.Asn673ThrfsTer23 (c.2016del) is a frameshift variant that is predicted to introduce a premature termination codon and result in a truncated or absent protein product. This variant has been observed in at least one proband with a GAA-related disorder (PMID:40952111). It is absent or not present at a significant frequency in gnomAD. In conclusion, we classify GAA p.Asn673ThrfsTer23 (c.2016del) as a pathogenic variant.

Literature cited by the submitters: PubMed 40952111.